The following is an entry in ClinVar:

ClinVar aggregate classification (germline): Uncertain significance. Review status: criteria provided, multiple submitters, no conflicts (2 of 4 stars). 6 submissions from 6 submitters: Uncertain significance (5). 1 of the submissions does not count toward it. Last evaluated 2025-08-11.

Conditions:
Hereditary nonpolyposis colorectal neoplasms. Identifiers: MedGen C0009405, MeSH D003123.
Malignant tumor of breast. Also called: Malignant breast neoplasm; Cancer breast. Identifiers: MedGen C0006142, MONDO:0007254. Disease mechanism: loss of function.
Hereditary cancer-predisposing syndrome. Also called: Neoplastic Syndromes, Hereditary; Tumor predisposition; Hereditary neoplastic syndrome; Hereditary Cancer Syndrome. Identifiers: Orphanet 140162, MedGen C0027672, MeSH D009386, MONDO:0015356.
Lynch syndrome. Identifiers: Orphanet 144, MedGen C4552100, MONDO:0005835. Disease mechanism: loss of function.

Allele frequency attached by ClinVar (database versions not stated): TOPMed 0.00001; ExAC 0.00002; gnomAD exomes 0.00002.
gnomAD v4.1: 18 of 1,613,924 alleles (0.0011%); highest among the groups gnomAD compares: South Asian, 0.019%; no homozygotes.

Submissions (6):

Labcorp Genetics (formerly Invitae), Labcorp
Classification: Uncertain significance for Hereditary nonpolyposis colorectal neoplasms. Last evaluated: 2025-08-11. Review status: criteria provided, single submitter. Criteria: Invitae Variant Classification Sherloc (09022015). Collection method: clinical testing. Allele origin: germline.
Comment: This sequence change falls in intron 6 of the PMS2 gene. It does not directly change the encoded amino acid sequence of the PMS2 protein. It affects a nucleotide within the consensus splice site. This variant is present in population databases (rs764334813, gnomAD 0.02%). This variant has not been reported in the literature in individuals affected with PMS2-related conditions. ClinVar contains an entry for this variant (Variation ID: 360544). Variants that disrupt the consensus splice site are a relatively common cause of aberrant splicing (PMID: 17576681, 9536098). Studies have shown this variant is associated with multiple RNA products, but one or more of the resulting mRNA isoform(s) may be naturally occurring (internal data). In summary, the available evidence is currently insufficient to determine the role of this variant in disease. Therefore, it has been classified as a Variant of Uncertain Significance.

Color Diagnostics, LLC DBA Color Health
Classification: Uncertain significance for Hereditary cancer-predisposing syndrome. Last evaluated: 2024-11-26. Review status: criteria provided, single submitter. Criteria: ACMG Guidelines, 2015. Collection method: clinical testing. Allele origin: germline.
Comment: This variant causes an A to G nucleotide substitution at the +3 position of intron 6 of the PMS2 gene. Splice site prediction tools suggest that this variant may have a significant impact on RNA splicing, although this prediction has not been confirmed in published RNA studies. This variant has not been reported in individuals affected with PMS2-related disorders in the literature. This variant has been identified in 5/251488 chromosomes in the general population by the Genome Aggregation Database (gnomAD). The available evidence is insufficient to determine the role of this variant in disease conclusively. Therefore, this variant is classified as a Variant of Uncertain Significance.

Ambry Genetics
Classification: Uncertain significance for Hereditary cancer-predisposing syndrome. Last evaluated: 2024-03-21. Review status: criteria provided, single submitter. Criteria: Ambry Variant Classification Scheme 2023. Collection method: clinical testing. Allele origin: germline.
Comment: The c.705+3A>G intronic variant results from an A to G substitution 3 nucleotides after coding exon 6 in the PMS2 gene. This nucleotide position is highly conserved in available vertebrate species. In silico splice site analysis predicts that this alteration will weaken the native splice donor site; however, direct evidence is insufficient at this time (Ambry internal data). Since supporting evidence is limited at this time, the clinical significance of this alteration remains unclear.

All of Us Research Program, National Institutes of Health
Classification: Uncertain significance for Lynch syndrome. Last evaluated: 2023-05-30. Review status: criteria provided, single submitter. Criteria: ACMG Guidelines, 2015. Collection method: clinical testing. Allele origin: germline. Inheritance: Autosomal dominant inheritance. Observed: 1 variant allele, 1 heterozygote.
Comment: This variant causes an A to G nucleotide substitution at the +3 position of intron 6 of the PMS2 gene. Splice site prediction tools are inconclusive regarding the impact of this variant on RNA splicing. To our knowledge, functional studies have not been reported for this variant. This variant has not been reported in individuals affected with PMS2-related disorders in the literature. This variant has been identified in 5/251488 chromosomes in the general population by the Genome Aggregation Database (gnomAD). The available evidence is insufficient to determine the role of this variant in disease conclusively. Therefore, this variant is classified as a Variant of Uncertain Significance.

This study involves interpretation of variants in research participants for the purpose of population health screening. Participant phenotype was not available at the time of variant classification. Additional details can be found in publication PMID: 35346344, PMCID: PMC8962531

Genetic Services Laboratory, University of Chicago
Classification: Uncertain significance. Last evaluated: 2021-05-03. Review status: criteria provided, single submitter. Criteria: ACMG Guidelines, 2015. Collection method: clinical testing. Allele origin: germline. Affected: no.
Comment: DNA sequence analysis of the PMS2 gene demonstrated a sequence change in intron 6, c.705+3A>G. This sequence change has been described in gnomAD with a frequency of 0.016% in the South Asian sub-population (dbSNP rs764334813). In silico splice prediction tools suggest that this variant may disrupt the consensus splice site, but this prediction has not been confirmed by published transcriptional studies. This change does not appear to have been previously described in patients with PMS2-related disorders. The functional significance of this sequence change is not known at present and its contribution to this patient's disease phenotype cannot definitively be determined.

Department of Pathology and Laboratory Medicine, Sinai Health System
Classification: Uncertain significance for Malignant tumor of breast. Review status: no assertion criteria provided. Collection method: clinical testing. Allele origin: unknown. Affected: yes. Observed: 1 variant allele. Study: The Canadian Open Genetics Repository (COGR). Not counted in ClinVar's aggregate classification.
Comment: The PMS2 c.705+3A>G variant was not identified in the literature nor was it identified in the COGR, Zhejiang University Database, Mismatch Repair Genes Variant Database, or Insight Hereditary Tumors databases. The variant was identified in dbSNP (ID: rs764334813) as "With Uncertain significance allele", and in ClinVar database (classified as uncertain significance by Invitae and Color Genomics). The variant was identified in control databases in 5 of 246260 chromosomes at a frequency of 0.00002 (Genome Aggregation Database Feb 27, 2017). The variant was observed in the South Asian population in 5 of 30782 chromosomes (freq: 0.0002), while the variant was not observed in the African, Other, Latino, European, Ashkenazi Jewish, East Asian, or Finnish populations. The c.705+3A>G variant is located in the 5' splice region but does not affect the invariant +1 and +2 positions. However, positions +3 to +6 are part of the splicing consensus sequence and variants involving these positions sometimes affect splicing. In addition, 3 of 4 in silico or computational prediction software programs (SpliceSiteFinder, MaxEntScan, NNSPLICE, GeneSplicer) predict a greater than 10% difference in splicing. In summary, based on the above information the clinical significance of this variant cannot be determined with certainty at this time. This variant is classified as a variant of uncertain significance.

Literature cited by the submitters: PubMed 17576681 (cited by Labcorp Genetics (formerly Invitae), Labcorp); PubMed 9536098 (cited by Labcorp Genetics (formerly Invitae), Labcorp).

NM_000535.7(PMS2):c.705+3A>G

Gene: PMS2 (PMS1 homolog 2, mismatch repair system component; minus strand). Cytogenetic location: 7p22.1.
Variant type: single nucleotide variant.
Coding change: c.705+3A>G on transcript NM_000535.7 (MANE Select); 3 bases into the intron after coding-DNA position 705, A replaced by G.
Molecular consequence: intron variant.
Genome position (GRCh38, 1-based): chr7:5,999,105, T>C on the plus strand (A>G on the coding strand, the complement: PMS2 is on the minus strand). VCF-style: chr7-5999105-T-C. GRCh37 (hg19) VCF-style: chr7-6038736-T-C.
Other names: c.387+3A>G (NM_001322008.2, NM_001322007.2); c.300+3A>G (NM_001322010.2, NM_001322004.2, NM_001322003.2 and 2 more transcripts); c.133-1682A>G (NM_001322013.2); c.-229+3A>G (NM_001322012.2, NM_001322011.2); c.396+3A>G (NM_001322015.2); c.705+3A>G (NM_001322006.2, NM_001322014.2).
Identifiers: ClinVar variation 360544 (VCV000360544.28), dbSNP rs764334813, ClinGen allele CA051063.
Genomic context (GRCh38, chr7:5,999,105, plus strand): 5'-CAATGGAAACCCGCTATAATCACTAGAGCAATAAGAGGCGTTGAAGTAACCGGCCATCAC[T>C]ACCTGCTTCTGCCCAAACACAGAGCCGATATTTTCCTTTATGCTGGGGCTTCCACCTGTG-3'